The following is an entry in ClinVar:

NM_030632.3(ASXL3):c.539del (p.Pro180fs)

Gene: ASXL3 (ASXL transcriptional regulator 3; plus strand). Cytogenetic location: 18q12.1.
Variant type: Deletion.
Coding change: c.539del on transcript NM_030632.3 (MANE Select); coding-DNA position 539, one base deleted (C; older notation c.539delC).
Protein change: p.Pro180fs; shifts the reading frame from proline 180.
Molecular consequence: frameshift variant.
Genome position (GRCh38, 1-based): chr18:33,670,734, C deleted; the last of 2 consecutive C bases (chr18:33,670,733-33,670,734); deleting either gives the same sequence. VCF-style (leftmost placement, unchanged base first): chr18-33670732-TC-T. GRCh37 (hg19) VCF-style: chr18-31250696-TC-T.
Other names: short protein forms P180fs.
Identifiers: ClinVar variation 3364561 (VCV003364561.2).

ClinVar aggregate classification (germline): Pathogenic/Likely pathogenic. Review status: criteria provided, multiple submitters, no conflicts (2 of 4 stars). 2 submissions from 2 submitters: Pathogenic (1); Likely pathogenic (1). Last evaluated 2025-06-27.

Conditions:
Bainbridge-Ropers syndrome. Also called: Severe feeding difficulties-failure to thrive-microcephaly due to ASXL3 deficiency syndrome. Identifiers: Orphanet 352577, MedGen C4750837, MONDO:0014205, OMIM 615485.

Submissions (2):

Variantyx, Inc.
Classification: Likely pathogenic for Bainbridge-Ropers syndrome. Last evaluated: 2025-06-27. Review status: criteria provided, single submitter. Criteria: Variantyx Assertion Criteria 2022. Collection method: clinical testing. Allele origin: germline. Inheritance: Autosomal dominant inheritance. Affected: yes.
Comment: This is a frameshift variant in the ASXL3 gene (OMIM: 615115). Pathogenic variants in this gene have been associated with autosomal dominant Bainbridge-Ropers syndrome. This variant introduces a premature termination codon in exon 6 out of 12 and is expected to result in loss of function, which is a known disease mechanism for ASXL3 in this disorder (PMID: 26647312, 28100473) (PVS1). This variant is absent from control populations (PM2). Based on the current evidence, this variant is classified as likely pathogenic for autosomal dominant Bainbridge-Ropers syndrome.Inter- and intrafamilial clinical variability has been described (PMID:¬†36177608).

GeneDx
Classification: Pathogenic. Last evaluated: 2023-11-22. Review status: criteria provided, single submitter. Criteria: GeneDx Variant Classification Process June 2021. Collection method: clinical testing. Allele origin: germline. Affected: yes.
Comment: Frameshift variant predicted to result in protein truncation or nonsense mediated decay in a gene for which loss of function is a known mechanism of disease; Not observed at significant frequency in large population cohorts (gnomAD); Has not been previously published as pathogenic or benign to our knowledge

Literature cited by the submitters: PubMed 26647312 (cited by Variantyx, Inc.); PubMed 28100473 (cited by Variantyx, Inc.).